The following is an entry in ClinVar:

ClinVar aggregate classification (germline): Uncertain significance (1 of 4 stars; one submission).

Conditions:
Cardiomyopathy (CMYO). Also called: Cardiomyopathies. Identifiers: Orphanet 167848, MedGen C0878544, MONDO:0004994, HP:0001638. Inheritance: Various modes of inheritance.

Submission:

Color Diagnostics, LLC DBA Color Health
Classification: Uncertain significance for Cardiomyopathy. Last evaluated: 2024-05-31. Review status: criteria provided, single submitter. Criteria: ACMG Guidelines, 2015. Collection method: clinical testing. Allele origin: germline.
Comment: This missense variant replaces asparagine with serine at codon 858 of the DSC2 protein. Computational prediction suggests that this variant may not impact protein structure and function (internally defined REVEL score threshold <= 0.5, PMID: 27666373). To our knowledge, functional studies have not been reported for this variant. This variant has not been reported in individuals affected with DSC2-related disorders in the literature. This variant has not been identified in the general population by the Genome Aggregation Database (gnomAD). The available evidence is insufficient to determine the role of this variant in disease conclusively. Therefore, this variant is classified as a Variant of Uncertain Significance.

NM_024422.6(DSC2):c.2573A>G (p.Asn858Ser)

Gene: DSC2 (desmocollin 2; minus strand). Cytogenetic location: 18q12.1.
Variant type: single nucleotide variant.
Coding change: c.2573A>G on transcript NM_024422.6 (MANE Select); coding-DNA position 2573, A replaced by G.
Protein change: p.Asn858Ser; replaces asparagine 858 with serine.
Molecular consequence: missense variant. On other transcripts: 3 prime UTR variant (2).
Genome position (GRCh38, 1-based): chr18:31,068,148, T>C on the plus strand (A>G on the coding strand, the complement: DSC2 is on the minus strand). VCF-style: chr18-31068148-T-C. GRCh37 (hg19) VCF-style: chr18-28648114-T-C.
Other names: c.2144A>G, p.Asn715Ser (NM_001406506.1); c.*75A>G (NM_001406507.1, NM_004949.5); short protein forms N715S, N858S.
Identifiers: ClinVar variation 3893839 (VCV003893839.1).